The following is an entry in ClinVar:

NM_004370.6(COL12A1):c.2062C>G (p.Leu688Val)

Gene: COL12A1 (collagen type XII alpha 1 chain; minus strand). Cytogenetic location: 6q13.
Variant type: single nucleotide variant.
Coding change: c.2062C>G on transcript NM_004370.6 (MANE Select); coding-DNA position 2062, C replaced by G.
Protein change: p.Leu688Val; replaces leucine 688 with valine.
Molecular consequence: missense variant. On other transcripts: intron variant (1).
Genome position (GRCh38, 1-based): chr6:75,181,041, G>C on the plus strand (C>G on the coding strand, the complement: COL12A1 is on the minus strand). VCF-style: chr6-75181041-G-C. GRCh37 (hg19) VCF-style: chr6-75890757-G-C.
Other names: c.2062C>G (NM_004370.5); c.73+21679C>G (NM_080645.3); short protein forms L688V.
Identifiers: ClinVar variation 2164648 (VCV002164648.5), dbSNP rs754458140, ClinGen allele CA3894074.

ClinVar aggregate classification (germline): Uncertain significance. Review status: criteria provided, multiple submitters, no conflicts (2 of 4 stars). 2 submissions from 2 submitters: Uncertain significance (2). Last evaluated 2024-01-10.

Conditions:
Ullrich congenital muscular dystrophy 2 (UCMD2). Identifiers: Orphanet 75840, MedGen C4225314, MONDO:0014654, OMIM 616470.
Bethlem myopathy 2 (BTHLM2). Identifiers: Orphanet 536516, Orphanet 610, MedGen C4225313, MONDO:0034022, OMIM 616471.
Inborn genetic diseases. Identifiers: MedGen C0950123, MeSH D030342.

Allele frequency attached by ClinVar (database versions not stated): TOPMed 0.00001; ExAC 0.00002.
gnomAD v4.1: 19 of 1,614,042 alleles (0.0012%); highest among the groups gnomAD compares: South Asian, 0.0022%; no homozygotes.

Submissions (2):

Labcorp Genetics (formerly Invitae), Labcorp
Classification: Uncertain significance for Bethlem myopathy 2; Ullrich congenital muscular dystrophy 2. Last evaluated: 2024-01-10. Review status: criteria provided, single submitter. Criteria: Invitae Variant Classification Sherloc (09022015). Collection method: clinical testing. Allele origin: germline.
Comment: This sequence change replaces leucine, which is neutral and non-polar, with valine, which is neutral and non-polar, at codon 688 of the COL12A1 protein (p.Leu688Val). This variant is present in population databases (rs754458140, gnomAD 0.004%). This variant has not been reported in the literature in individuals affected with COL12A1-related conditions. ClinVar contains an entry for this variant (Variation ID: 2164648). Advanced modeling of protein sequence and biophysical properties (such as structural, functional, and spatial information, amino acid conservation, physicochemical variation, residue mobility, and thermodynamic stability) has been performed at Invitae for this missense variant, however the output from this modeling did not meet the statistical confidence thresholds required to predict the impact of this variant on COL12A1 protein function. In summary, the available evidence is currently insufficient to determine the role of this variant in disease. Therefore, it has been classified as a Variant of Uncertain Significance.

Ambry Genetics
Classification: Uncertain significance for Inborn genetic diseases. Last evaluated: 2022-02-17. Review status: criteria provided, single submitter. Criteria: Ambry Variant Classification Scheme 2023. Collection method: clinical testing. Allele origin: germline.